The following is an entry in ClinVar:

NM_017934.7(PHIP):c.3720G>C (p.Glu1240Asp)

Genes: IRAK1BP1 (interleukin 1 receptor associated kinase 1 binding protein 1; plus strand), PHIP (pleckstrin homology domain interacting protein; minus strand). Cytogenetic location: 6q14.1.
Variant type: single nucleotide variant.
Coding change: c.3720G>C on transcript NM_017934.7 (MANE Select); coding-DNA position 3720, G replaced by C.
Protein change: p.Glu1240Asp; replaces glutamic acid 1240 with aspartic acid.
Molecular consequence: missense variant.
Genome position (GRCh38, 1-based): chr6:78,958,537, C>G on the plus strand (G>C on the coding strand, the complement: PHIP is on the minus strand). VCF-style: chr6-78958537-C-G. GRCh37 (hg19) VCF-style: chr6-79668254-C-G.
Other names: short protein forms E1240D.
Identifiers: ClinVar variation 3393876 (VCV003393876.1).

ClinVar aggregate classification (germline): Uncertain significance (1 of 4 stars; one submission).

Submission:

GeneDx
Classification: Uncertain significance. Last evaluated: 2024-07-03. Review status: criteria provided, single submitter. Criteria: GeneDx Variant Classification Process June 2021. Collection method: clinical testing. Allele origin: germline. Affected: yes.
Comment: Not observed at significant frequency in large population cohorts (gnomAD); In silico analysis supports that this missense variant has a deleterious effect on protein structure/function; Has not been previously published as pathogenic or benign to our knowledge